The following is an entry in ClinVar:

NM_014254.3(RXYLT1):c.649del (p.Arg217fs)

Gene: RXYLT1 (ribitol xylosyltransferase 1; plus strand). Cytogenetic location: 12q14.2.
Variant type: Deletion.
Coding change: c.649del on transcript NM_014254.3 (MANE Select); coding-DNA position 649, one base deleted (A; older notation c.649delA).
Protein change: p.Arg217fs; shifts the reading frame from arginine 217.
Molecular consequence: frameshift variant. On other transcripts: 5 prime UTR variant (1).
Genome position (GRCh38, 1-based): chr12:63,802,311, A deleted; the last of 4 consecutive A bases (chr12:63,802,308-63,802,311); deleting any one gives the same sequence. VCF-style (leftmost placement, unchanged base first): chr12-63802307-CA-C. GRCh37 (hg19) VCF-style: chr12-64196087-CA-C.
Other names: c.-132del (NM_001278237.2); short protein forms R217fs.
Identifiers: ClinVar variation 583374 (VCV000583374.9), dbSNP rs948674144, ClinGen allele CA238830229.

ClinVar aggregate classification (germline): Pathogenic (1 of 4 stars; one submission).

Submission:

Labcorp Genetics (formerly Invitae), Labcorp
Classification: Pathogenic. Last evaluated: 2023-10-14. Review status: criteria provided, single submitter. Criteria: Invitae Variant Classification Sherloc (09022015). Collection method: clinical testing. Allele origin: germline.
Comment: This sequence change creates a premature translational stop signal (p.Arg217Glufs*11) in the RXYLT1 gene. It is expected to result in an absent or disrupted protein product. Loss-of-function variants in RXYLT1 are known to be pathogenic (PMID: 23217329, 23519211, 31742715). This variant is not present in population databases (gnomAD no frequency). This premature translational stop signal has been observed in individual(s) with clinical features of muscular dystrophy-dystroglycanopathy (Invitae). ClinVar contains an entry for this variant (Variation ID: 583374). For these reasons, this variant has been classified as Pathogenic.

Literature cited by the submitters: PubMed 23217329; PubMed 23519211; PubMed 31742715.